The following is an entry in ClinVar:

ClinVar aggregate classification (germline): Likely pathogenic (1 of 4 stars; one submission).

Allele frequency attached by ClinVar (database versions not stated): gnomAD 0.00001; TOPMed 0.00001.
gnomAD v4.1: 1 of 1,607,388 alleles (0.000062%); highest among the groups gnomAD compares: Non-Finnish European, 0.000085%; no homozygotes.

Submission:

Labcorp Genetics (formerly Invitae), Labcorp
Classification: Likely pathogenic. Last evaluated: 2024-10-20. Review status: criteria provided, single submitter. Criteria: Invitae Variant Classification Sherloc (09022015). Collection method: clinical testing. Allele origin: germline.
Comment: This sequence change affects an acceptor splice site in intron 1 of the COL9A1 gene. It is expected to disrupt RNA splicing. Variants that disrupt the donor or acceptor splice site typically lead to a loss of protein function (PMID: 16199547), and loss-of-function variants in COL9A1 are known to be pathogenic (PMID: 16909383, 21421862). This variant is not present in population databases (gnomAD no frequency). This variant has not been reported in the literature in individuals affected with COL9A1-related conditions. Algorithms developed to predict the effect of sequence changes on RNA splicing suggest that this variant may disrupt the consensus splice site. In summary, the currently available evidence indicates that the variant is pathogenic, but additional data are needed to prove that conclusively. Therefore, this variant has been classified as Likely Pathogenic.

Literature cited by the submitters: PubMed 16199547; PubMed 16909383; PubMed 21421862.

NM_001851.6(COL9A1):c.15-2A>T

Gene: COL9A1 (collagen type IX alpha 1 chain; minus strand). Cytogenetic location: 6q13.
Variant type: single nucleotide variant.
Coding change: c.15-2A>T on transcript NM_001851.6 (MANE Select); the canonical splice acceptor site of the intron before coding-DNA position 15, A replaced by T.
Molecular consequence: splice acceptor variant.
Genome position (GRCh38, 1-based): chr6:70,302,076, T>A on the plus strand (A>T on the coding strand, the complement: COL9A1 is on the minus strand). VCF-style: chr6-70302076-T-A. GRCh37 (hg19) VCF-style: chr6-71011779-T-A.
Other names: c.15-2A>T (NM_001377291.1).
Identifiers: ClinVar variation 2795139 (VCV002795139.3), dbSNP rs1774086195, ClinGen allele CA364676070.